The following is an entry in ClinVar:

ClinVar aggregate classification (germline): Uncertain significance. Review status: criteria provided, multiple submitters, no conflicts (2 of 4 stars). 6 submissions from 6 submitters: Uncertain significance (5). 1 of the submissions does not count toward it. Last evaluated 2026-09-15.

Conditions:
Acyl-CoA dehydrogenase 9 deficiency. Also called: MITOCHONDRIAL COMPLEX I DEFICIENCY, NUCLEAR TYPE 20; Acyl-CoA dehydrogenase family, member 9, deficiency of. Identifiers: Orphanet 99901, MedGen C4747517, MONDO:0012624, OMIM 611126.
ACAD9-related disorder. Also called: ACAD9-related condition.

Allele frequency attached by ClinVar (database versions not stated): TOPMed 0.00003; gnomAD 0.00004; gnomAD exomes 0.00004; ExAC 0.00005.
gnomAD v4.1: 69 of 1,613,896 alleles (0.0043%); highest among the groups gnomAD compares: Middle Eastern, 0.066%; no homozygotes.

Submissions (6):

PreventionGenetics, part of Exact Sciences
Classification: Uncertain significance for ACAD9-related condition. Last evaluated: 2026-09-15. Review status: criteria provided, single submitter. Criteria: ACMG Guidelines, 2015. Collection method: clinical testing. Allele origin: germline.
Comment: The ACAD9 c.1684G>A variant is predicted to result in the amino acid substitution p.Asp562Asn. This variant has been reported in the homozygous state in an individual diagnosed with ACAD9 deficiency, though no additional functional or genetic information was included (Repp et al. 2018. PubMed ID: 30025539, see Additional File 2). This variant is reported in 0.010% of alleles in individuals of European (Non-Finnish) descent in gnomAD. Although we suspect that this variant may be pathogenic, at this time, the clinical significance of this variant is uncertain due to the absence of conclusive functional and genetic evidence.

Blueprint Genetics
Classification: Uncertain significance. Last evaluated: 2024-11-25. Review status: criteria provided, single submitter. Criteria: ACMG Guidelines, 2015. Collection method: clinical testing. Allele origin: germline.

Mayo Clinic Laboratories, Mayo Clinic
Classification: Uncertain significance. Last evaluated: 2023-12-08. Review status: criteria provided, single submitter. Criteria: ACMG Guidelines, 2015. Collection method: clinical testing. Allele origin: germline. Observed: 1 variant allele.
Comment: PM2_moderate

Women's Health and Genetics/Laboratory Corporation of America, LabCorp
Classification: Uncertain significance. Last evaluated: 2022-12-19. Review status: criteria provided, single submitter. Criteria: LabCorp Variant Classification Summary - May 2015. Collection method: clinical testing. Allele origin: germline.
Comment: Variant summary: ACAD9 c.1684G>A (p.Asp562Asn) results in a conservative amino acid change in the encoded protein sequence, altering a well-conserved residue (HGMD). Other amino acid changes located near this one (e.g. p.His563Asp) have been reported in association with Acyl-Coenzyme dehydrogenase 9 deficiency, suggesting the functional relevance of this region of the protein. Three of five in-silico tools predict a benign effect of the variant on protein function. The variant allele was found at a frequency of 4.4e-05 in 250516 control chromosomes. This frequency is not significantly higher than expected for a pathogenic variant in ACAD9 causing Mitochondrial Complex I Deficiency, Nuclear Type 20 (4.4e-05 vs 0.0011), allowing no conclusion about variant significance. c.1684G>A has been reported in the literature in a homozygous individual affected with Acyl-Coenzyme dehydrogenase 9 deficiency (Repp_2018). These data indicate that the variant may be associated with disease. To our knowledge, no experimental evidence demonstrating an impact on protein function has been reported. One submitter has provided a clinical-significance assessment for this variant to ClinVar after 2014 without evidence for independent evaluation, classifying the variant as uncertain significance. Based on the evidence outlined above, the variant was classified as VUS-possibly pathogenic.

Labcorp Genetics (formerly Invitae), Labcorp
Classification: Uncertain significance. Last evaluated: 2022-07-12. Review status: criteria provided, single submitter. Criteria: Invitae Variant Classification Sherloc (09022015). Collection method: clinical testing. Allele origin: germline.
Comment: This sequence change replaces aspartic acid, which is acidic and polar, with asparagine, which is neutral and polar, at codon 562 of the ACAD9 protein (p.Asp562Asn). This variant is present in population databases (rs547697115, gnomAD 0.01%). This missense change has been observed in individual(s) with ACAD9 deficiency (PMID: 30025539). ClinVar contains an entry for this variant (Variation ID: 991434). Advanced modeling of protein sequence and biophysical properties (such as structural, functional, and spatial information, amino acid conservation, physicochemical variation, residue mobility, and thermodynamic stability) performed at Invitae indicates that this missense variant is not expected to disrupt ACAD9 protein function. In summary, the available evidence is currently insufficient to determine the role of this variant in disease. Therefore, it has been classified as a Variant of Uncertain Significance.

Natera, Inc.
Classification: Uncertain significance for ACAD9 deficiency. Last evaluated: 2020-05-12. Review status: no assertion criteria provided. Collection method: clinical testing. Allele origin: germline. Not counted in ClinVar's aggregate classification.

Literature cited by the submitters: PubMed 30025539 (cited by 3 submitters); PubMed 34426522 (cited by Mayo Clinic Laboratories, Mayo Clinic); PubMed 34646991 (cited by Mayo Clinic Laboratories, Mayo Clinic).

NM_014049.5(ACAD9):c.1684G>A (p.Asp562Asn)

Genes: ACAD9 (acyl-CoA dehydrogenase family member 9; plus strand), CFAP92 (cilia and flagella associated protein 92 (putative); minus strand). Cytogenetic location: 3q21.3.
Variant type: single nucleotide variant.
Coding change: c.1684G>A on transcript NM_014049.5 (MANE Select); coding-DNA position 1684, G replaced by A.
Protein change: p.Asp562Asn; replaces aspartic acid 562 with asparagine.
Molecular consequence: missense variant. On other transcripts: non-coding transcript variant (1), 3 prime UTR variant (3).
Genome position (GRCh38, 1-based): chr3:128,910,141, G>A. VCF-style: chr3-128910141-G-A. GRCh37 (hg19) VCF-style: chr3-128628984-G-A.
Other names: p.Asp562Asn; c.1315G>A, p.Asp439Asn (NM_001410805.1); c.*158C>T (NM_001348520.2, NM_001348521.2, NM_001394090.1); c.1684G>A (NM_014049.4); short protein forms D562N, D439N.
Identifiers: ClinVar variation 991434 (VCV000991434.7), dbSNP rs547697115, ClinGen allele CA2601646.
Genomic context (GRCh38, chr3:128,910,141, plus strand): 5'-GGCATGACGGCCGTGCTGTCGCGGGCCAGCCGCTCCATCCGCATTGGGCTCCGCAACCAC[G>A]ACCACGAGGTGAGCCCAGCCCAGCCTCACACAGGGCCTGGCTGCTGCCATCTGTCCTGCT-3'
Protein context (NP_054768.2, residues 552-572): RSIRIGLRNH[Asp562Asn]HEVLLANTFC